The following is an entry in ClinVar:

NM_004260.4(RECQL4):c.46C>T (p.Arg16Cys)

Genes: RECQL4 (RecQ like helicase 4; minus strand), LOC130001411 (ATAC-STARR-seq lymphoblastoid silent region 19699; plus strand). Cytogenetic location: 8q24.3.
Variant type: single nucleotide variant.
Coding change: c.46C>T on transcript NM_004260.4 (MANE Select); coding-DNA position 46, C replaced by T.
Protein change: p.Arg16Cys; replaces arginine 16 with cysteine.
Molecular consequence: missense variant. On other transcripts: 5 prime UTR variant (17), non-coding transcript variant (3).
Genome position (GRCh38, 1-based): chr8:144,517,739, G>A on the plus strand (C>T on the coding strand, the complement: RECQL4 is on the minus strand). VCF-style: chr8-144517739-G-A. GRCh37 (hg19) VCF-style: chr8-145743123-G-A.
Other names: c.46C>T, p.Arg16Cys (NM_001413017.1, NM_001413018.1, NM_001413019.1 and 6 more transcripts); c.-740C>T (NM_001413021.1); c.-1091C>T (NM_001413022.1, NM_001413023.1, NM_001413037.1 and 2 more transcripts); c.-988C>T (NM_001413024.1); c.-1088C>T (NM_001413027.1); c.-816C>T (NM_001413028.1); c.-1153C>T (NM_001413030.1, NM_001413031.1, NM_001413041.1); c.-985C>T (NM_001413032.1); and 4 more; short protein forms R16C.
Identifiers: ClinVar variation 3944338 (VCV003944338.1).
Genomic context (GRCh38, chr8:144,517,739, plus strand): 5'-TCGGCCCCTGGGCAGCCCGCACCTGGCTCGGTCGCCGCCCGCGCTGCCGTCGGAACGCGC[G>A]CTCCCACGCCTGCAGCCGCTCCCGCACGTCCCGCAGCCGCTCCATGGCGCGCGCGCCCGC-3'
Protein context (NP_004251.4, residues 6-26): DVRERLQAWE[Arg16Cys]AFRRQRGRRP

ClinVar aggregate classification (germline): Uncertain significance (1 of 4 stars; one submission).

Conditions:
Inborn genetic diseases. Identifiers: MedGen C0950123, MeSH D030342.

gnomAD v4.1: 1 of 1,347,610 alleles (0.000074%); highest among the groups gnomAD compares: African/African-American, 0.0015%; no homozygotes.

Submission:

Ambry Genetics
Classification: Uncertain significance for Inborn genetic diseases. Last evaluated: 2025-05-24. Review status: criteria provided, single submitter. Criteria: Ambry Variant Classification Scheme 2023. Collection method: clinical testing. Allele origin: germline.
Comment: The p.R16C variant (also known as c.46C>T), located in coding exon 1 of the RECQL4 gene, results from a C to T substitution at nucleotide position 46. The arginine at codon 16 is replaced by cysteine, an amino acid with highly dissimilar properties. This amino acid position is conserved. In addition, the in silico prediction for this alteration is inconclusive. Based on the available evidence, the clinical significance of this variant remains unclear.